The following is an entry in ClinVar:

NM_003001.5(SDHC):c.-11C>T

Gene: SDHC (succinate dehydrogenase complex subunit C; plus strand). Cytogenetic location: 1q23.3.
Variant type: single nucleotide variant.
Coding change: c.-11C>T on transcript NM_003001.5 (MANE Select); 11 bases upstream of the start codon, C replaced by T.
Molecular consequence: 5 prime UTR variant. On other transcripts: non-coding transcript variant (1).
Genome position (GRCh38, 1-based): chr1:161,314,395, C>T. VCF-style: chr1-161314395-C-T. GRCh37 (hg19) VCF-style: chr1-161284185-C-T.
Other names: c.-571C>T (NM_001407119.1); c.-240C>T (NM_001407120.1); c.-11C>T (NM_001407121.1, NM_001035511.3, NM_001035512.3 and 6 more transcripts).
Identifiers: ClinVar variation 4758327 (VCV004758327.1).

ClinVar aggregate classification (germline): Uncertain significance (1 of 4 stars; one submission).

Conditions:
Hereditary pheochromocytoma and paraganglioma. Also called: Hereditary Paraganglioma-Pheochromocytoma Syndromes; Hereditary paragangliomas and pheochromocytomas; Hereditary pheochromocytoma-paraganglioma. Identifiers: Orphanet 29072, MedGen C4274332, MONDO:0017366.

gnomAD v4.1: 1 of 1,614,108 alleles (0.000062%); highest among the groups gnomAD compares: African/African-American, 0.0013%; no homozygotes.

Submission:

Color Diagnostics, LLC DBA Color Health
Classification: Uncertain significance for Hereditary pheochromocytoma and paraganglioma. Last evaluated: 2025-09-30. Review status: criteria provided, single submitter. Criteria: ACMG Guidelines, 2015. Collection method: clinical testing. Allele origin: germline.
Comment: This variant causes a C to T nucleotide substitution at the -11 position in the 5' untranslated region of the SDHC gene. is located in the SDHC protein. To our knowledge, gene expression studies have not been reported for this variant. This variant has not been reported in individuals affected with SDHC-related disorders in the literature. This variant has been identified in 1/1461806 chromosomes in the general population by the Genome Aggregation Database (gnomAD). The available evidence is insufficient to determine the role of this variant in disease conclusively. Therefore, this variant is classified as a Variant of Uncertain Significance.